The following is an entry in ClinVar:

ClinVar aggregate classification (germline): Uncertain significance. Review status: criteria provided, multiple submitters, no conflicts (2 of 4 stars). 2 submissions from 2 submitters: Uncertain significance (2). Last evaluated 2026-01-06.

Conditions:
Candidiasis, familial, 6 (CANDF6). Also called: Candidiasis, familial, 6, autosomal dominant. Identifiers: Orphanet 1334, MedGen C3151405, MONDO:0013503, OMIM 613956.

Allele frequency attached by ClinVar (database versions not stated): gnomAD exomes below 0.00001 and 0.00001; ExAC 0.00001; ESP Exome Variant Server 0.00008.

Submissions (2):

Labcorp Genetics (formerly Invitae), Labcorp
Classification: Uncertain significance for Candidiasis, familial, 6. Last evaluated: 2026-01-06. Review status: criteria provided, single submitter. Criteria: Invitae Variant Classification Sherloc (09022015). Collection method: clinical testing. Allele origin: germline.
Comment: This sequence change replaces glutamic acid, which is acidic and polar, with lysine, which is basic and polar, at codon 75 of the IL17F protein (p.Glu75Lys). This variant is present in population databases (rs373228601, gnomAD 0.0009%). This variant has not been reported in the literature in individuals affected with IL17F-related conditions. ClinVar contains an entry for this variant (Variation ID: 357472). An algorithm developed to predict the effect of missense changes on protein structure and function (PolyPhen-2) suggests that this variant is likely to be tolerated. In summary, the available evidence is currently insufficient to determine the role of this variant in disease. Therefore, it has been classified as a Variant of Uncertain Significance.

Illumina Laboratory Services, Illumina
Classification: Uncertain significance for Candidiasis, familial, 6. Last evaluated: 2018-01-12. Review status: criteria provided, single submitter. Criteria: ICSL Variant Classification Criteria 13 December 2019. Collection method: clinical testing. Allele origin: germline.

NM_052872.4(IL17F):c.223G>A (p.Glu75Lys)

Gene: IL17F (interleukin 17F; minus strand). Cytogenetic location: 6p12.2.
Variant type: single nucleotide variant.
Coding change: c.223G>A on transcript NM_052872.4 (MANE Select); coding-DNA position 223, G replaced by A.
Protein change: p.Glu75Lys; replaces glutamic acid 75 with lysine.
Molecular consequence: missense variant.
Genome position (GRCh38, 1-based): chr6:52,238,761, C>T on the plus strand (G>A on the coding strand, the complement: IL17F is on the minus strand). VCF-style: chr6-52238761-C-T. GRCh37 (hg19) VCF-style: chr6-52103559-C-T.
Other names: short protein forms E75K.
Identifiers: ClinVar variation 357472 (VCV000357472.9), dbSNP rs373228601, ClinGen allele CA3854419.